The following is an entry in ClinVar:

ClinVar aggregate classification (germline): Uncertain significance. Review status: criteria provided, multiple submitters, no conflicts (2 of 4 stars). 2 submissions from 2 submitters: Uncertain significance (2). Last evaluated 2024-03-23.

Conditions:
Hereditary cancer-predisposing syndrome. Also called: Hereditary neoplastic syndrome; Neoplastic Syndromes, Hereditary; Tumor predisposition; Hereditary Cancer Syndrome. Identifiers: Orphanet 140162, MedGen C0027672, MeSH D009386, MONDO:0015356.
Multiple endocrine neoplasia, type 2 (MEN2). Identifiers: Orphanet 653, MedGen C4048306, MONDO:0019003. Disease mechanism: gain of function.

Allele frequency attached by ClinVar (database versions not stated): TOPMed below 0.00001.

Submissions (2):

Ambry Genetics
Classification: Uncertain significance for Hereditary cancer-predisposing syndrome. Last evaluated: 2024-03-23. Review status: criteria provided, single submitter. Criteria: Ambry Variant Classification Scheme 2023. Collection method: clinical testing. Allele origin: germline.
Comment: The p.W324G variant (also known as c.970T>G), located in coding exon 5 of the RET gene, results from a T to G substitution at nucleotide position 970. The tryptophan at codon 324 is replaced by glycine, an amino acid with highly dissimilar properties. This amino acid position is well conserved in available vertebrate species. In addition, the in silico prediction for this alteration is inconclusive. Since supporting evidence is limited at this time, the clinical significance of this alteration remains unclear.

Labcorp Genetics (formerly Invitae), Labcorp
Classification: Uncertain significance for Multiple endocrine neoplasia, type 2. Last evaluated: 2019-07-20. Review status: criteria provided, single submitter. Criteria: Invitae Variant Classification Sherloc (09022015). Collection method: clinical testing. Allele origin: germline.
Comment: In summary, the available evidence is currently insufficient to determine the role of this variant in disease. Therefore, it has been classified as a Variant of Uncertain Significance. Algorithms developed to predict the effect of missense changes on protein structure and function are either unavailable or do not agree on the potential impact of this missense change (SIFT: "Tolerated"; PolyPhen-2: "Probably Damaging"; Align-GVGD: "Class C0"). This variant has not been reported in the literature in individuals with RET-related conditions. This variant is not present in population databases (ExAC no frequency). This sequence change replaces tryptophan with glycine at codon 324 of the RET protein (p.Trp324Gly). The tryptophan residue is moderately conserved and there is a large physicochemical difference between tryptophan and glycine.

NM_020975.6(RET):c.970T>G (p.Trp324Gly)

Gene: RET (ret proto-oncogene; plus strand). Cytogenetic location: 10q11.21.
Variant type: single nucleotide variant.
Coding change: c.970T>G on transcript NM_020975.6 (MANE Select); coding-DNA position 970, T replaced by G.
Protein change: p.Trp324Gly; replaces tryptophan 324 with glycine.
Molecular consequence: missense variant.
Genome position (GRCh38, 1-based): chr10:43,106,478, T>G. VCF-style: chr10-43106478-T-G. GRCh37 (hg19) VCF-style: chr10-43601926-T-G.
Other names: c.970T>G, p.Trp324Gly (NM_000323.2, NM_001406743.1, NM_001406744.1 and 6 more transcripts); c.208T>G, p.Trp70Gly (NM_001355216.2); c.841T>G, p.Trp281Gly (NM_001406761.1, NM_001406762.1, NM_001406764.1 and 1 more transcripts); c.682T>G, p.Trp228Gly (NM_001406766.1, NM_001406767.1, NM_001406770.1); short protein forms W70G, W324G, W281G, W228G.
Identifiers: ClinVar variation 947638 (VCV000947638.14), dbSNP rs1837780573, ClinGen allele CA376546155.
Genomic context (GRCh38, chr10:43,106,478, plus strand): 5'-GTACCTGCATCAGGGGAGCTGGTGAGGCGGTACACAAGCACGCTGCTCCCCGGGGACACC[T>G]GGGCCCAGCAGACCTTCCGGGTGGAACACTGGCCCAACGAGACCTCGGTCCAGGCCAACG-3'
Protein context (NP_066124.1, residues 314-334): YTSTLLPGDT[Trp324Gly]AQQTFRVEHW